The following is an entry in ClinVar:

NM_000088.4(COL1A1):c.45C>T (p.Ala15=)

Gene: COL1A1 (collagen type I alpha 1 chain; minus strand). Cytogenetic location: 17q21.33.
Variant type: single nucleotide variant.
Coding change: c.45C>T on transcript NM_000088.4 (MANE Select); coding-DNA position 45, C replaced by T.
Protein change: p.Ala15=; no amino-acid change (alanine 15 retained).
Molecular consequence: synonymous variant.
Genome position (GRCh38, 1-based): chr17:50,201,469, G>A on the plus strand (C>T on the coding strand, the complement: COL1A1 is on the minus strand). VCF-style: chr17-50201469-G-A. GRCh37 (hg19) VCF-style: chr17-48278830-G-A.
Identifiers: ClinVar variation 782197 (VCV000782197.16), dbSNP rs140295356, ClinGen allele CA8645888.

ClinVar aggregate classification (germline): Likely benign. Review status: criteria provided, multiple submitters, no conflicts (2 of 4 stars). 5 submissions from 5 submitters: Likely benign (4). 1 of the submissions does not count toward it. Last evaluated 2025-11-19.

Conditions:
COL1A1-related disorder. Also called: COL1A1- related disease; COL1A1-related condition.
Cardiovascular phenotype. Identifiers: MedGen CN230736.
Osteogenesis imperfecta type I (OI1). Also called: Lobstein disease; OI, TYPE I; OSTEOGENESIS IMPERFECTA TARDA; OSTEOGENESIS IMPERFECTA WITH BLUE SCLERAE; Classic Non-deforming Osteogenesis Imperfecta with Blue Sclerae; Osteogenesis imperfecta type 1. Identifiers: Orphanet 216796, Orphanet 666, MedGen C0023931, MONDO:0008146, OMIM 166200. Disease mechanism: loss of function.

Allele frequency attached by ClinVar (database versions not stated): gnomAD 0.00004; gnomAD exomes 0.00004 and 0.00008; ExAC 0.00005; TOPMed 0.00005; ESP Exome Variant Server 0.00008.
gnomAD v4.1: 115 of 1,613,024 alleles (0.0071%); highest among the groups gnomAD compares: Non-Finnish European, 0.0094%; no homozygotes.

Submissions (5):

Labcorp Genetics (formerly Invitae), Labcorp
Classification: Likely benign for Osteogenesis imperfecta type I. Last evaluated: 2025-11-19. Review status: criteria provided, single submitter. Criteria: Invitae Variant Classification Sherloc (09022015). Collection method: clinical testing. Allele origin: germline.

Women's Health and Genetics/Laboratory Corporation of America, LabCorp
Classification: Likely benign. Last evaluated: 2025-07-29. Review status: criteria provided, single submitter. Criteria: LabCorp Variant Classification Summary - May 2015. Collection method: clinical testing. Allele origin: germline.

Molecular Diagnostic Laboratory for Inherited Cardiovascular Disease, Montreal Heart Institute
Classification: Likely benign. Last evaluated: 2025-04-09. Review status: criteria provided, single submitter. Criteria: ACMG Guidelines, 2015. Collection method: clinical testing. Allele origin: germline. Affected: no.

Ambry Genetics
Classification: Likely benign for Cardiovascular phenotype. Last evaluated: 2020-09-20. Review status: criteria provided, single submitter. Criteria: Ambry Variant Classification Scheme 2023. Collection method: clinical testing. Allele origin: germline.

PreventionGenetics, part of Exact Sciences
Classification: Likely benign for COL1A1-related condition. Last evaluated: 2020-11-30. Review status: no assertion criteria provided. Collection method: clinical testing. Allele origin: germline. Not counted in ClinVar's aggregate classification.
Comment: This variant is classified as likely benign based on ACMG/AMP sequence variant interpretation guidelines (Richards et al. 2015 PMID: 25741868, with internal and published modifications).